The following is an entry in ClinVar:

ClinVar aggregate classification (germline): Uncertain significance. Review status: criteria provided, multiple submitters, no conflicts (2 of 4 stars). 4 submissions from 4 submitters: Uncertain significance (3). 1 of the submissions does not count toward it. Last evaluated 2024-06-15.

Conditions:
Hereditary breast ovarian cancer syndrome. Also called: Hereditary breast and ovarian cancer syndrome; Hereditary breast and ovarian cancer; Hereditary breast and ovarian cancer syndrome (HBOC); Breast and ovarian cancer; Hereditary breast and/or ovarian cancer syndrome; BRCA1- and BRCA2-Associated Hereditary Breast and Ovarian Cancer. Identifiers: Orphanet 145, MedGen C0677776, MeSH D061325, MONDO:0003582. Disease mechanism: loss of function.
Hereditary cancer-predisposing syndrome. Also called: Neoplastic Syndromes, Hereditary; Tumor predisposition; Hereditary neoplastic syndrome; Hereditary Cancer Syndrome. Identifiers: Orphanet 140162, MedGen C0027672, MeSH D009386, MONDO:0015356.
Breast-ovarian cancer, familial, susceptibility to, 2 (BROVCA2). Also called: BRCA2 Hereditary Breast and Ovarian Cancer. Identifiers: Orphanet 145, MedGen C2675520, MONDO:0012933, OMIM 612555. Disease mechanism: loss of function.

Submissions (4):

Labcorp Genetics (formerly Invitae), Labcorp
Classification: Uncertain significance for Hereditary breast ovarian cancer syndrome. Last evaluated: 2024-06-15. Review status: criteria provided, single submitter. Criteria: Invitae Variant Classification Sherloc (09022015). Collection method: clinical testing. Allele origin: germline.
Comment: This sequence change replaces arginine, which is basic and polar, with lysine, which is basic and polar, at codon 3269 of the BRCA2 protein (p.Arg3269Lys). This variant is not present in population databases (gnomAD no frequency). This variant has not been reported in the literature in individuals affected with BRCA2-related conditions. ClinVar contains an entry for this variant (Variation ID: 52901). Advanced modeling of protein sequence and biophysical properties (such as structural, functional, and spatial information, amino acid conservation, physicochemical variation, residue mobility, and thermodynamic stability) performed at Invitae indicates that this missense variant is not expected to disrupt BRCA2 protein function with a negative predictive value of 95%. In summary, the available evidence is currently insufficient to determine the role of this variant in disease. Therefore, it has been classified as a Variant of Uncertain Significance.

Color Diagnostics, LLC DBA Color Health
Classification: Uncertain significance for Hereditary cancer-predisposing syndrome. Last evaluated: 2023-12-05. Review status: criteria provided, single submitter. Criteria: ACMG Guidelines, 2015. Collection method: clinical testing. Allele origin: germline.
Comment: This missense variant replaces arginine with lysine at codon 3269 of the BRCA2 protein. Computational prediction suggests that this variant may not impact protein structure and function (internally defined REVEL score threshold <= 0.5, PMID: 27666373). To our knowledge, functional studies have not been reported for this variant. This variant has not been reported in individuals affected with BRCA2-related disorders in the literature. This variant has not been identified in the general population by the Genome Aggregation Database (gnomAD). The available evidence is insufficient to determine the role of this variant in disease conclusively. Therefore, this variant is classified as a Variant of Uncertain Significance.

Ambry Genetics
Classification: Uncertain significance for Hereditary cancer-predisposing syndrome. Last evaluated: 2022-03-17. Review status: criteria provided, single submitter. Criteria: Ambry Variant Classification Scheme 2023. Collection method: clinical testing. Allele origin: germline.
Comment: The p.R3269K variant (also known as c.9806G>A), located in coding exon 26 of the BRCA2 gene, results from a G to A substitution at nucleotide position 9806. The arginine at codon 3269 is replaced by lysine, an amino acid with highly similar properties. This amino acid position is not well conserved in available vertebrate species. In addition, this alteration is predicted to be tolerated by in silico analysis. Since supporting evidence is limited at this time, the clinical significance of this alteration remains unclear.

Breast Cancer Information Core (BIC) (BRCA2)
Classification: Uncertain significance for Breast-ovarian cancer, familial 2. Last evaluated: 2002-05-29. Review status: no assertion criteria provided. Collection method: clinical testing. Allele origin: germline. Affected: yes. Observed: 1 variant allele. Not counted in ClinVar's aggregate classification.

NM_000059.4(BRCA2):c.9806G>A (p.Arg3269Lys)

Gene: BRCA2 (BRCA2 DNA repair associated; plus strand). Cytogenetic location: 13q13.1.
Variant type: single nucleotide variant.
Coding change: c.9806G>A on transcript NM_000059.4 (MANE Select); coding-DNA position 9806, G replaced by A.
Protein change: p.Arg3269Lys; replaces arginine 3269 with lysine.
Molecular consequence: missense variant.
Genome position (GRCh38, 1-based): chr13:32,398,319, G>A. VCF-style: chr13-32398319-G-A. GRCh37 (hg19) VCF-style: chr13-32972456-G-A.
Other names: short protein forms R3269K.
Identifiers: ClinVar variation 52901 (VCV000052901.17), dbSNP rs80359243, ClinGen allele CA026300.